The following is an entry in ClinVar:

NM_001256007.3(PNPLA8):c.1684-1G>C

Gene: PNPLA8 (patatin like domain 8, phospholipase A2; minus strand). Cytogenetic location: 7q31.1.
Variant type: single nucleotide variant.
Coding change: c.1684-1G>C on transcript NM_001256007.3 (MANE Select); the canonical splice acceptor site of the intron before coding-DNA position 1684, G replaced by C.
Molecular consequence: splice acceptor variant.
Genome position (GRCh38, 1-based): chr7:108,487,954, C>G on the plus strand (G>C on the coding strand, the complement: PNPLA8 is on the minus strand). VCF-style: chr7-108487954-C-G. GRCh37 (hg19) VCF-style: chr7-108128398-C-G.
Other names: c.1384-1G>C (NM_001256011.3, NM_001256010.3); c.1684-1G>C (NM_001256009.3, NM_001256008.3, NM_015723.5).
Identifiers: ClinVar variation 4728491 (VCV004728491.1).

ClinVar aggregate classification (germline): Likely pathogenic (1 of 4 stars; one submission).

Submission:

Labcorp Genetics (formerly Invitae), Labcorp
Classification: Likely pathogenic. Last evaluated: 2025-10-05. Review status: criteria provided, single submitter. Criteria: Invitae Variant Classification Sherloc (09022015). Collection method: clinical testing. Allele origin: germline.
Comment: This sequence change affects an acceptor splice site in intron 9 of the PNPLA8 gene. It is expected to disrupt RNA splicing. Variants that disrupt the donor or acceptor splice site typically lead to a loss of protein function (PMID: 16199547), and loss-of-function variants in PNPLA8 are known to be pathogenic (PMID: 29681094). This variant is not present in population databases (gnomAD no frequency). This variant has not been reported in the literature in individuals affected with PNPLA8-related conditions. Algorithms developed to predict the effect of sequence changes on RNA splicing suggest that this variant may disrupt the consensus splice site. In summary, the currently available evidence indicates that the variant is pathogenic, but additional data are needed to prove that conclusively. Therefore, this variant has been classified as Likely Pathogenic.

Literature cited by the submitters: PubMed 16199547; PubMed 29681094.